The following is an entry in ClinVar:

ClinVar aggregate classification (germline): Uncertain significance. Review status: criteria provided, multiple submitters, no conflicts (2 of 4 stars). 2 submissions from 2 submitters: Uncertain significance (2). Last evaluated 2025-12-26.

Conditions:
Intellectual developmental disorder, autosomal dominant 1. Also called: Intellectual disability, autosomal dominant 1; MBD5 Haploinsufficiency. Identifiers: Orphanet 228402, MedGen C1969562, MONDO:0007974, OMIM 156200.

Allele frequency attached by ClinVar (database versions not stated): gnomAD 0.00003; TOPMed 0.00003.
gnomAD v4.1: 4 of 1,613,790 alleles (0.00025%); highest among the groups gnomAD compares: African/African-American, 0.0053%; no homozygotes.

Submissions (2):

Labcorp Genetics (formerly Invitae), Labcorp
Classification: Uncertain significance for Intellectual developmental disorder, autosomal dominant 1. Last evaluated: 2025-12-26. Review status: criteria provided, single submitter. Criteria: Invitae Variant Classification Sherloc (09022015). Collection method: clinical testing. Allele origin: germline.
Comment: This sequence change replaces methionine, which is neutral and non-polar, with valine, which is neutral and non-polar, at codon 708 of the MBD5 protein (p.Met708Val). This variant is present in population databases (rs796052721, gnomAD 0.004%). This variant has not been reported in the literature in individuals affected with MBD5-related conditions. ClinVar contains an entry for this variant (Variation ID: 206113). Invitae Evidence Modeling of protein sequence and biophysical properties (such as structural, functional, and spatial information, amino acid conservation, physicochemical variation, residue mobility, and thermodynamic stability) indicates that this missense variant is not expected to disrupt MBD5 protein function with a negative predictive value of 80%. In summary, the available evidence is currently insufficient to determine the role of this variant in disease. Therefore, it has been classified as a Variant of Uncertain Significance.

GeneDx
Classification: Uncertain significance. Last evaluated: 2018-07-18. Review status: criteria provided, single submitter. Criteria: GeneDx Variant Classification (06012015). Collection method: clinical testing. Allele origin: germline. Affected: yes.
Comment: A variant of uncertain significance has been identified in the MBD5 gene. The c.2122 A>G variant has not been published as a pathogenic variant, nor has it been reported as a benign variant to our knowledge. The c.2122 A>G variant is observed in 1/8728 (0.01%) alleles from individuals of African background (Lek et al., 2016). Several in silico splice prediction models predict that c.2122 A>G creates a cryptic donor site which may supplant the natural donor site of exon 9 and lead to abnormal gene splicing. However, in the absence of RNA/functional studies, the actual effect of this sequence change in this individual is unknown. If the c.2122 A>G variant does not affect splicing, it will result in the M708V missense change. The M708V variant is a conservative amino acid substitution, which is not likely to impact secondary protein structure as these residues share similar properties. In-silico analyses, including protein predictors and evolutionary conservation, is inconsistent in its predictions as to whether or not the variant is damaging to the protein structure/function. Therefore, based on the currently available information, it is unclear whether this variant is a pathogenic variant or a rare benign variant.

NM_001378120.1(MBD5):c.2122A>G (p.Met708Val)

Gene: MBD5 (methyl-CpG binding domain protein 5; plus strand). Cytogenetic location: 2q23.1.
Variant type: single nucleotide variant.
Coding change: c.2122A>G on transcript NM_001378120.1 (MANE Select); coding-DNA position 2122, A replaced by G.
Protein change: p.Met708Val; replaces methionine 708 with valine.
Molecular consequence: missense variant.
Genome position (GRCh38, 1-based): chr2:148,470,065, A>G. VCF-style: chr2-148470065-A-G. GRCh37 (hg19) VCF-style: chr2-149227634-A-G.
Other names: p.M708V:ATG>GTG; c.2122A>G, p.Met708Val (NM_018328.5); short protein forms M708V.
Identifiers: ClinVar variation 206113 (VCV000206113.12), dbSNP rs796052721, ClinGen allele CA315881.